The following is an entry in ClinVar:

NM_017739.4(POMGNT1):c.20del (p.Ser7fs)

Gene: POMGNT1 (protein O-linked mannose N-acetylglucosaminyltransferase 1 (beta 1,2-); minus strand). Cytogenetic location: 1p34.1.
Variant type: Deletion.
Coding change: c.20del on transcript NM_017739.4 (MANE Select); coding-DNA position 20, one base deleted (G; older notation c.20delG).
Protein change: p.Ser7fs; shifts the reading frame from serine 7.
Molecular consequence: frameshift variant.
Genome position (GRCh38, 1-based): chr1:46,197,802, C deleted on the plus strand (G on the coding strand, the reverse complement: POMGNT1 is on the minus strand). VCF-style (leftmost placement, unchanged base first): chr1-46197801-GC-G. GRCh37 (hg19) VCF-style: chr1-46663473-GC-G.
Other names: c.20del, p.Ser7fs (NM_001243766.2); c.20delG, p.Ser7Thrfs (NM_001410783.1); short protein forms S7fs.
Identifiers: ClinVar variation 2000675 (VCV002000675.4), dbSNP rs2525476809, ClinGen allele CA2580063012.
Genomic context (GRCh38, chr1:46,197,801, plus strand): 5'-ATACTTCCAGGTAAGGTACCAGCTCCGCTTCTTCCGAGCCCCAAAGGGCTTGATGAGGGG[GC>G]TGGGCTTCCAGTCGTCCATACCGGATTGGCGGGTCACCAATGTCCTGGCCAGCCCATGAC-3'

ClinVar aggregate classification (germline): Pathogenic (1 of 4 stars; one submission).

Conditions:
Autosomal recessive limb-girdle muscular dystrophy type 2O. Also called: Limb-Girdle Muscular Dystrophy Type 3C; MUSCULAR DYSTROPHY-DYSTROGLYCANOPATHY (LIMB-GIRDLE), TYPE C, 3; MUSCULAR DYSTROPHY-DYSTROGLYCANOPATHY, LIMB-GIRDLE, POMGNT1-RELATED. Identifiers: Orphanet 206564, MedGen C3150417, MONDO:0013161, OMIM 613157.
Muscular dystrophy-dystroglycanopathy (congenital with impaired intellectual development), type B, 3. Also called: MUSCULAR DYSTROPHY, CONGENITAL, POMGNT1-RELATED; Muscular dystrophy-dystroglycanopathy (congenital with intellectual disability), type B3. Identifiers: MedGen C3150412, MONDO:0013155, OMIM 613151.

Submission:

Labcorp Genetics (formerly Invitae), Labcorp
Classification: Pathogenic for Autosomal recessive limb-girdle muscular dystrophy type 2O; Muscular dystrophy-dystroglycanopathy (congenital with impaired intellectual development), type B, 3. Last evaluated: 2022-05-29. Review status: criteria provided, single submitter. Criteria: Invitae Variant Classification Sherloc (09022015). Collection method: clinical testing. Allele origin: germline.
Comment: This sequence change creates a premature translational stop signal (p.Ser7Thrfs*23) in the POMGNT1 gene. It is expected to result in an absent or disrupted protein product. Loss-of-function variants in POMGNT1 are known to be pathogenic (PMID: 19299310, 20816175, 21447391, 26908613, 27391550). This variant is not present in population databases (gnomAD no frequency). This variant has not been reported in the literature in individuals affected with POMGNT1-related conditions. For these reasons, this variant has been classified as Pathogenic.

Literature cited by the submitters: PubMed 19299310; PubMed 20816175; PubMed 21447391; PubMed 26908613; PubMed 27391550.